The following is an entry in ClinVar:

ClinVar aggregate classification (germline): Benign (1 of 4 stars; one submission).

Submission:

CeGaT Center for Human Genetics Tuebingen
Classification: Benign. Last evaluated: 2024-07-01. Review status: criteria provided, single submitter. Criteria: CeGaT Center For Human Genetics Tuebingen Variant Classification Criteria Version 2. Collection method: clinical testing. Allele origin: germline. Affected: yes. Observed: 1 variant allele.
Comment: RGS8: BS1, BS2

NM_001102450.3(RGS8):c.284C>T (p.Thr95Ile)

Gene: RGS8 (regulator of G protein signaling 8; minus strand). Cytogenetic location: 1q25.3.
Variant type: single nucleotide variant.
Coding change: c.284C>T on transcript NM_001102450.3 (MANE Select); coding-DNA position 284, C replaced by T.
Protein change: p.Thr95Ile; replaces threonine 95 with isoleucine.
Molecular consequence: missense variant.
Genome position (GRCh38, 1-based): chr1:182,648,213, G>A on the plus strand (C>T on the coding strand, the complement: RGS8 is on the minus strand). VCF-style: chr1-182648213-G-A. GRCh37 (hg19) VCF-style: chr1-182617348-G-A.
Other names: c.284C>T, p.Thr95Ile (NM_001369564.2, NM_001387847.1, NM_001387848.1 and 1 more transcripts); c.338C>T, p.Thr113Ile (NM_033345.4); short protein forms T113I, T95I.
Identifiers: ClinVar variation 3257702 (VCV003257702.17).
Genomic context (GRCh38, chr1:182,648,213, plus strand): 5'-ACATCCACAAACTCCTCAAAGATCCTATGGGCCTTAGAGACCAGTTTTGCAGTTGACCTG[G>A]TCTTCTTGAACTCCTCACAGGCCAACCAGAATTCCAGGTTCTCCTCACTGAACTCCGTCT-3'
Protein context (NP_001095920.1, residues 85-105): FWLACEEFKK[Thr95Ile]RSTAKLVSKA